The following is an entry in ClinVar:

ClinVar aggregate classification (germline): Conflicting classifications of pathogenicity. Review status: criteria provided, conflicting classifications (1 of 4 stars). 2 submissions from 2 submitters: Uncertain significance (1); Likely benign (1). Last evaluated 2024-11-12.

Conditions:
Breast-ovarian cancer, familial, susceptibility to, 4. Identifiers: Orphanet 145, MedGen C3280345, MONDO:0013669, OMIM 614291.
Hereditary cancer-predisposing syndrome. Also called: Hereditary neoplastic syndrome; Neoplastic Syndromes, Hereditary; Hereditary Cancer Syndrome; Tumor predisposition. Identifiers: Orphanet 140162, MedGen C0027672, MeSH D009386, MONDO:0015356.

Submissions (2):

Ambry Genetics
Classification: Likely benign for Hereditary cancer-predisposing syndrome. Last evaluated: 2024-11-12. Review status: criteria provided, single submitter. Criteria: Ambry Variant Classification Scheme 2023. Collection method: clinical testing. Allele origin: germline.

Labcorp Genetics (formerly Invitae), Labcorp
Classification: Uncertain significance for Breast-ovarian cancer, familial, susceptibility to, 4. Last evaluated: 2022-09-12. Review status: criteria provided, single submitter. Criteria: Invitae Variant Classification Sherloc (09022015). Collection method: clinical testing. Allele origin: germline.
Comment: This variant has not been reported in the literature in individuals affected with RAD51D-related conditions. In summary, the available evidence is currently insufficient to determine the role of this variant in disease. Therefore, it has been classified as a Variant of Uncertain Significance. Advanced modeling of protein sequence and biophysical properties (such as structural, functional, and spatial information, amino acid conservation, physicochemical variation, residue mobility, and thermodynamic stability) performed at Invitae indicates that this missense variant is not expected to disrupt RAD51D protein function. This variant is not present in population databases (gnomAD no frequency). This sequence change replaces methionine, which is neutral and non-polar, with valine, which is neutral and non-polar, at codon 120 of the RAD51D protein (p.Met120Val).

NM_002878.4(RAD51D):c.358A>G (p.Met120Val)

Genes: RAD51L3-RFFL (RAD51L3-RFFL readthrough; minus strand), RAD51D (RAD51 paralog D; minus strand). Cytogenetic location: 17q12.
Variant type: single nucleotide variant.
Coding change: c.358A>G on transcript NM_002878.4 (MANE Select); coding-DNA position 358, A replaced by G.
Protein change: p.Met120Val; replaces methionine 120 with valine.
Molecular consequence: missense variant. On other transcripts: non-coding transcript variant (1), intron variant (1).
Genome position (GRCh38, 1-based): chr17:35,107,110, T>C on the plus strand (A>G on the coding strand, the complement: RAD51D is on the minus strand). VCF-style: chr17-35107110-T-C. GRCh37 (hg19) VCF-style: chr17-33434129-T-C.
Other names: c.418A>G, p.Met140Val (NM_001142571.2); c.145-629A>G (NM_133629.3); short protein forms M120V, M140V.
Identifiers: ClinVar variation 1718843 (VCV001718843.6), dbSNP rs876659998, ClinGen allele CA399089385.
Genomic context (GRCh38, chr17:35,107,110, plus strand): 5'-CTCCATTGGAATCTACATATAGGACGTTTTGCTGCAGGCCATGGGCCACATTTGCTGCCA[T>C]ACAGAGACATACCTGGGGGTGGGGGCATTGGATGAACTTGACACTTCAGAGAGGGTCCAG-3'
Protein context (NP_002869.3, residues 110-130): GSGKTQVCLC[Met120Val]AANVAHGLQQ